The following is an entry in ClinVar:

NM_001291867.2(NHS):c.1074G>A (p.Val358=)

Gene: NHS (NHS actin remodeling regulator; plus strand). Cytogenetic location: Xp22.13.
Variant type: single nucleotide variant.
Coding change: c.1074G>A on transcript NM_001291867.2 (MANE Select); coding-DNA position 1074, G replaced by A.
Protein change: p.Val358=; no amino-acid change (valine 358 retained).
Molecular consequence: synonymous variant.
Genome position (GRCh38, 1-based): chrX:17,721,599, G>A. VCF-style: chrX-17721599-G-A. GRCh37 (hg19) VCF-style: chrX-17739719-G-A.
Other names: c.543G>A, p.Val181= (NM_001136024.4); c.480G>A, p.Val160= (NM_001291868.2); c.1011G>A, p.Val337= (NM_198270.4).
Identifiers: ClinVar variation 1086277 (VCV001086277.10), dbSNP rs2066406785, ClinGen allele CA515466567.
Genomic context (GRCh38, chrX:17,721,599, plus strand): 5'-CTGGAGCAAAGCACTACCTCTCCCGACGCCAGAGGAGAAGATGAAACAAGATGCCCAAGT[G>A]ATTTCTTCTTGCATTATTCCCATCAATGTTACTGGTATCGTTCTGGTTTTTTCTTAGGGG-3'
Protein context (NP_001278796.1, residues 348-368): PEEKMKQDAQ[Val358=]ISSCIIPINV

ClinVar aggregate classification (germline): Uncertain significance (1 of 4 stars; one submission).

Conditions:
Nance-Horan syndrome (NHS). Identifiers: Orphanet 627, MedGen C0796085, MONDO:0010545, OMIM 302350.

Submission:

Labcorp Genetics (formerly Invitae), Labcorp
Classification: Uncertain significance for Nance-Horan syndrome. Last evaluated: 2022-10-10. Review status: criteria provided, single submitter. Criteria: Invitae Variant Classification Sherloc (09022015). Collection method: clinical testing. Allele origin: germline.
Comment: Algorithms developed to predict the effect of sequence changes on RNA splicing suggest that this variant may disrupt the consensus splice site. ClinVar contains an entry for this variant (Variation ID: 1086277). This variant has been observed in individual(s) with Nance-Horan syndrome (Invitae). This variant is not present in population databases (gnomAD no frequency). This sequence change affects codon 337 of the NHS mRNA. It is a 'silent' change, meaning that it does not change the encoded amino acid sequence of the NHS protein. In summary, the available evidence is currently insufficient to determine the role of this variant in disease. Therefore, it has been classified as a Variant of Uncertain Significance.